The following is an entry in ClinVar:

ClinVar aggregate classification (germline): Uncertain significance (1 of 4 stars; one submission).

gnomAD v4.1: 3 of 1,614,182 alleles (0.00019%); highest among the groups gnomAD compares: East Asian, 0.0067%; no homozygotes.

Submission:

GeneDx
Classification: Uncertain significance. Last evaluated: 2024-06-11. Review status: criteria provided, single submitter. Criteria: GeneDx Variant Classification Process June 2021. Collection method: clinical testing. Allele origin: germline. Affected: yes.
Comment: In silico analysis supports that this missense variant has a deleterious effect on protein structure/function; Not observed at significant frequency in large population cohorts (gnomAD); This variant is associated with the following publications: (PMID: 32855221, 32602668, 32508047)

NM_001098668.4(SFTPA2):c.619A>T (p.Asn207Tyr)

Gene: SFTPA2 (surfactant protein A2; minus strand). Cytogenetic location: 10q22.3.
Variant type: single nucleotide variant.
Coding change: c.619A>T on transcript NM_001098668.4 (MANE Select); coding-DNA position 619, A replaced by T.
Protein change: p.Asn207Tyr; replaces asparagine 207 with tyrosine.
Molecular consequence: missense variant.
Genome position (GRCh38, 1-based): chr10:79,557,337, T>A on the plus strand (A>T on the coding strand, the complement: SFTPA2 is on the minus strand). VCF-style: chr10-79557337-T-A. GRCh37 (hg19) VCF-style: chr10-81317093-T-A.
Other names: c.619A>T, p.Asn207Tyr (NM_001320813.2); c.649A>T, p.Asn217Tyr (NM_001320814.1); short protein forms N207Y, N217Y.
Identifiers: ClinVar variation 3390596 (VCV003390596.1).
Genomic context (GRCh38, chr10:79,557,337, plus strand): 5'-TCTCCACACACTGCTCTTTTCCCCGACCTGCAGGCTCCCCTCGGTACCAGTTGGTGTAGT[T>A]TACAGGGGTCCCATCTGAGTAGCGGAAGTCTCCAGGGCTGGGACCCTCAGTCAGGCCTAC-3'
Protein context (NP_001092138.1, residues 197-217): DFRYSDGTPV[Asn207Tyr]YTNWYRGEPA